The following is an entry in ClinVar:

ClinVar aggregate classification (germline): Uncertain significance (1 of 4 stars; one submission).

Conditions:
Hereditary cancer-predisposing syndrome. Also called: Hereditary Cancer Syndrome; Hereditary neoplastic syndrome; Neoplastic Syndromes, Hereditary; Tumor predisposition. Identifiers: Orphanet 140162, MedGen C0027672, MeSH D009386, MONDO:0015356.

Submission:

Ambry Genetics
Classification: Uncertain significance for Hereditary cancer-predisposing syndrome. Last evaluated: 2025-07-22. Review status: criteria provided, single submitter. Criteria: Ambry Variant Classification Scheme 2023. Collection method: clinical testing. Allele origin: germline.
Comment: The p.A1816D variant (also known as c.5447C>A), located in coding exon 24 of the DICER1 gene, results from a C to A substitution at nucleotide position 5447. The alanine at codon 1816 is replaced by aspartic acid, an amino acid with dissimilar properties. This amino acid position is highly conserved in available vertebrate species. In addition, this alteration is predicted to be deleterious by in silico analysis. Based on the available evidence, the clinical significance of this variant remains unclear.

NM_177438.3(DICER1):c.5447C>A (p.Ala1816Asp)

Gene: DICER1 (dicer 1, ribonuclease III; minus strand). Cytogenetic location: 14q32.13.
Variant type: single nucleotide variant.
Coding change: c.5447C>A on transcript NM_177438.3 (MANE Select); coding-DNA position 5447, C replaced by A.
Protein change: p.Ala1816Asp; replaces alanine 1816 with aspartic acid.
Molecular consequence: missense variant. On other transcripts: non-coding transcript variant (6), intron variant (1).
Genome position (GRCh38, 1-based): chr14:95,091,283, G>T on the plus strand (C>A on the coding strand, the complement: DICER1 is on the minus strand). VCF-style: chr14-95091283-G-T. GRCh37 (hg19) VCF-style: chr14-95557620-G-T.
Other names: c.5447C>A, p.Ala1816Asp (NM_001395680.1, NM_001395682.1, NM_001395683.1 and 7 more transcripts); c.5165C>A, p.Ala1722Asp (NM_001395686.1); c.5042C>A, p.Ala1681Asp (NM_001395687.1, NM_001395688.1, NM_001395689.1 and 1 more transcripts); c.4880C>A, p.Ala1627Asp (NM_001395691.1); c.3764C>A, p.Ala1255Asp (NM_001395697.1); c.5365-174C>A (NM_001195573.1); short protein forms A1255D, A1681D, A1816D, A1627D, A1722D.
Identifiers: ClinVar variation 4240500 (VCV004240500.1).